The following is an entry in ClinVar:

NM_024298.5(MBOAT7):c.680_690dup (p.Leu231fs)

Gene: MBOAT7 (membrane bound acylglycerophosphatidylinositol O-acyltransferase MBOAT7; minus strand). Cytogenetic location: 19q13.42.
Variant type: Duplication.
Coding change: c.680_690dup on transcript NM_024298.5 (MANE Select); coding-DNA positions 680 to 690, 11 bases duplicated (TGCCCGCCCGC).
Protein change: p.Leu231fs; shifts the reading frame from leucine 231.
Molecular consequence: frameshift variant.
Genome position (GRCh38, 1-based): chr19:54,180,937-54,180,947, GCGGGCGGGCA duplicated on the plus strand (TGCCCGCCCGC on the coding strand, the reverse complement: MBOAT7 is on the minus strand); duplicating any 11 consecutive bases within chr19:54,180,937-54,180,957 gives the same sequence; the c. name uses the placement nearest the transcript's 3' end. VCF-style (leftmost placement, unchanged base first): chr19-54180936-G-GGCGGGCGGGCA. GRCh37 (hg19) VCF-style: chr19-54684653-G-GGCGGGCGGGCA.
Other names: c.461_471dup, p.Leu158fs (NM_001146056.3, NM_001146083.3); c.680_690dup, p.Leu231fs (NM_001146082.3); short protein forms L158fs, L231fs.
Identifiers: ClinVar variation 1120120 (VCV001120120.7), dbSNP rs1264222654, ClinGen allele CA883573314.

ClinVar aggregate classification (germline): Pathogenic/Likely pathogenic. Review status: criteria provided, multiple submitters, no conflicts (2 of 4 stars). 3 submissions from 3 submitters: Pathogenic (1); Likely pathogenic (2). Last evaluated 2023-06-22.

Conditions:
Intellectual developmental disorder, autosomal recessive 57. Also called: Intellectual disability, autosomal recessive 57. Identifiers: MedGen C4310673, MONDO:0014962, OMIM 617188.

Submissions (3):

Neuberg Centre For Genomic Medicine, NCGM
Classification: Likely pathogenic for Intellectual developmental disorder, autosomal recessive 57. Last evaluated: 2023-06-22. Review status: criteria provided, single submitter. Criteria: ACMG Guidelines, 2015. Collection method: clinical testing. Allele origin: germline. Inheritance: Autosomal recessive inheritance. Affected: yes.
Comment: The observed frameshift variant c.680_690dup (p.Leu231CysfsTer8) in MBOAT7 gene has not been reported previously as a pathogenic variant nor as a benign variant, to our knowledge. This variant is reported with the allele frequency of 0.003% in the gnomAD. This variant has been reported to the ClinVar database as Likely Pathogenic / Pathogenic. This variant causes a frameshift starting with codon Leucine 231, changes this amino acid to Cysteine residue, and creates a premature Stop codon at position 8 of the new reading frame, denoted p.Leu231CysfsTer8. This variant is predicted to cause a loss of normal protein function through protein truncation. Loss of function variants have been previously reported to be disease causing. For these reasons, this variant has been classified as Likely Pathogenic.

Laboratory for Molecular Medicine, Mass General Brigham Personalized Medicine
Classification: Likely pathogenic for Intellectual developmental disorder, autosomal recessive 57. Last evaluated: 2020-06-05. Review status: criteria provided, single submitter. Criteria: LMM Criteria. Collection method: clinical testing. Allele origin: germline. Inheritance: Autosomal recessive inheritance. Observed: 1 variant allele.
Comment: The p.Leu231CysfsX8 variant MBOAT7 has not been reported in individuals with disease, but was identified in 1/15420 of European chromosomes by gnomAD. This variant is predicted to cause a frameshift, which alters the proteinâ€™s amino acid sequence beginning at position 231 and leads to a premature termination codon 8 amino acids downstream. This alteration is then predicted to lead to a truncated or absent protein. Loss of function of the MBOAT7 gene is an established disease mechanism in autosomal recessive intellectual disability, epilepsy and autistic features. In summary, although additional studies are required to fully establish its clinical significance, this variant meets criteria to be classified as likely pathogenic for autosomal recessive intellectual disability, epilepsy & autistic features. ACMG/AMP Criteria applied: PM2, PVS1.

Victorian Clinical Genetics Services, Murdoch Childrens Research Institute
Classification: Pathogenic for Intellectual developmental disorder, autosomal recessive 57. Last evaluated: 2020-05-21. Review status: criteria provided, single submitter. Criteria: ACMG Guidelines, 2015. Collection method: clinical testing. Allele origin: germline. Inheritance: Autosomal recessive inheritance.
Comment: A heterozygous duplication variant was identified, NM_024298.4(MBOAT7):c.680_690dup in exon 6 of 8 of the MBOAT7 gene. This duplication is predicted to cause a frameshift from amino acid position 231 introducing a stop codon downstream; NP_077274.3(MBOAT7):p.(Leu231Cysfs*8), resulting in loss of normal protein function through nonsense-mediated decay (NMD). The variant is present in the gnomAD population database at a frequency of 0.003% (1 heterozygote, 0 homozygotes). The variant has not been previously observed in clinical cases, however other variants predicted to cause NMD have been reported as pathogenic in individuals with autosomal recessive MBOAT7-related intellectual disability (ClinVar). Based on information available at the time of curation, this variant has been classified as PATHOGENIC.